The following is an entry in ClinVar:

ClinVar aggregate classification (germline): Likely benign (0 of 4 stars; one submission).

Conditions:
PTPRS-related disorder. Also called: PTPRS-related condition.

Allele frequency attached by ClinVar (database versions not stated): ExAC 0.00011; 1000 Genomes Project 30x 0.00016; gnomAD 0.00034; ESP Exome Variant Server 0.00038; TOPMed 0.00039.
gnomAD v4.1: 145 of 1,614,108 alleles (0.009%); highest among the groups gnomAD compares: African/African-American, 0.11%; no homozygotes.

Submission:

PreventionGenetics, part of Exact Sciences
Classification: Likely benign for PTPRS-related condition. Last evaluated: 2019-04-05. Review status: no assertion criteria provided. Collection method: clinical testing. Allele origin: germline.
Comment: This variant is classified as likely benign based on ACMG/AMP sequence variant interpretation guidelines (Richards et al. 2015 PMID: 25741868, with internal and published modifications).

NM_002850.4(PTPRS):c.4902G>A (p.Thr1634=)

Gene: PTPRS (protein tyrosine phosphatase receptor type S; minus strand). Cytogenetic location: 19p13.3.
Variant type: single nucleotide variant.
Coding change: c.4902G>A on transcript NM_002850.4 (MANE Select); coding-DNA position 4902, G replaced by A.
Protein change: p.Thr1634=; no amino-acid change (threonine 1634 retained).
Molecular consequence: synonymous variant.
Genome position (GRCh38, 1-based): chr19:5,212,118, C>T on the plus strand (G>A on the coding strand, the complement: PTPRS is on the minus strand). VCF-style: chr19-5212118-C-T. GRCh37 (hg19) VCF-style: chr19-5212129-C-T.
Other names: c.4836G>A, p.Thr1612= (NM_001394011.1); c.4815G>A, p.Thr1605= (NM_001394012.1); c.4776G>A, p.Thr1592= (NM_001394013.1); c.3561G>A, p.Thr1187= (NM_130853.3); c.4788G>A, p.Thr1596= (NM_130854.3); c.3573G>A, p.Thr1191= (NM_130855.3).
Identifiers: ClinVar variation 3047923 (VCV003047923.2), dbSNP rs144406290, ClinGen allele CA9108946.